The following is an entry in ClinVar:

ClinVar aggregate classification (germline): Likely benign (0 of 4 stars; one submission).

Conditions:
CSMD3-related disorder. Also called: CSMD3-related condition.

gnomAD v4.1: 3 of 1,612,150 alleles (0.00019%); highest among the groups gnomAD compares: Non-Finnish European, 0.00025%; no homozygotes.

Submission:

PreventionGenetics, part of Exact Sciences
Classification: Likely benign for CSMD3-related condition. Last evaluated: 2019-05-08. Review status: no assertion criteria provided. Collection method: clinical testing. Allele origin: germline.
Comment: This variant is classified as likely benign based on ACMG/AMP sequence variant interpretation guidelines (Richards et al. 2015 PMID: 25741868, with internal and published modifications).

NM_198123.2(CSMD3):c.4206A>C (p.Ala1402=)

Gene: CSMD3 (CUB and Sushi multiple domains 3; minus strand). Cytogenetic location: 8q23.3.
Variant type: single nucleotide variant.
Coding change: c.4206A>C on transcript NM_198123.2 (MANE Select); coding-DNA position 4206, A replaced by C.
Protein change: p.Ala1402=; no amino-acid change (alanine 1402 retained).
Molecular consequence: synonymous variant.
Genome position (GRCh38, 1-based): chr8:112,556,791, T>G on the plus strand (A>C on the coding strand, the complement: CSMD3 is on the minus strand). VCF-style: chr8-112556791-T-G. GRCh37 (hg19) VCF-style: chr8-113569020-T-G.
Other names: c.3816A>C, p.Ala1272= (NM_001363185.1); c.3894A>C, p.Ala1298= (NM_052900.3); c.4086A>C, p.Ala1362= (NM_198124.2).
Identifiers: ClinVar variation 3352702 (VCV003352702.1).
Genomic context (GRCh38, chr8:112,556,791, plus strand): 5'-ATATTCAATGAAAATCTATGACAGTATCCTACCAATACAGGAAGGCAGAGGATAGTCCCA[T>G]GCCCTTCTCTCCCCTGTCATGCACTTGAGAAGGCTACTTCCGTGGAGAGTGTAGCCTGGA-3'
Protein context (NP_937756.1, residues 1392-1412): LLKCMTGERR[Ala1402=]WDYPLPSCIA